The following is an entry in ClinVar:

ClinVar aggregate classification (germline): Uncertain significance (1 of 4 stars; one submission).

Conditions:
Vici syndrome (VICIS). Identifiers: Orphanet 1493, MedGen C1855772, MONDO:0009452, OMIM 242840.

Submission:

Labcorp Genetics (formerly Invitae), Labcorp
Classification: Uncertain significance for Vici syndrome. Last evaluated: 2023-02-07. Review status: criteria provided, single submitter. Criteria: Invitae Variant Classification Sherloc (09022015). Collection method: clinical testing. Allele origin: germline.
Comment: This sequence change replaces methionine, which is neutral and non-polar, with threonine, which is neutral and polar, at codon 2242 of the EPG5 protein (p.Met2242Thr). This variant is not present in population databases (gnomAD no frequency). This variant has not been reported in the literature in individuals affected with EPG5-related conditions. Advanced modeling of protein sequence and biophysical properties (such as structural, functional, and spatial information, amino acid conservation, physicochemical variation, residue mobility, and thermodynamic stability) performed at Invitae indicates that this missense variant is not expected to disrupt EPG5 protein function. In summary, the available evidence is currently insufficient to determine the role of this variant in disease. Therefore, it has been classified as a Variant of Uncertain Significance.

NM_020964.3(EPG5):c.6725T>C (p.Met2242Thr)

Gene: EPG5 (ectopic P-granules 5 autophagy tethering factor; minus strand). Cytogenetic location: 18q12.3.
Variant type: single nucleotide variant.
Coding change: c.6725T>C on transcript NM_020964.3 (MANE Select); coding-DNA position 6725, T replaced by C.
Protein change: p.Met2242Thr; replaces methionine 2242 with threonine.
Molecular consequence: missense variant.
Genome position (GRCh38, 1-based): chr18:45,865,656, A>G on the plus strand (T>C on the coding strand, the complement: EPG5 is on the minus strand). VCF-style: chr18-45865656-A-G. GRCh37 (hg19) VCF-style: chr18-43445621-A-G.
Other names: c.6725T>C, p.Met2242Thr (NM_001410858.1); c.6722T>C, p.Met2241Thr (NM_001410859.1); short protein forms M2241T, M2242T.
Identifiers: ClinVar variation 2806327 (VCV002806327.1), dbSNP rs2511478364, ClinGen allele CA402338179.